The following is an entry in ClinVar:

NM_024996.7(GFM1):c.689+884T>C

Gene: GFM1 (G elongation factor mitochondrial 1; plus strand). Cytogenetic location: 3q25.32.
Variant type: single nucleotide variant.
Coding change: c.689+884T>C on transcript NM_024996.7 (MANE Select); 884 bases into the intron after coding-DNA position 689, T replaced by C.
Molecular consequence: intron variant. On other transcripts: synonymous variant (2).
Genome position (GRCh38, 1-based): chr3:158,650,041, T>C. VCF-style: chr3-158650041-T-C. GRCh37 (hg19) VCF-style: chr3-158367830-T-C.
Other names: c.726T>C, p.Asn242= (NM_001308164.2, NM_001374355.1); c.464+884T>C (NM_001374357.1); c.573-2055T>C (NM_001374356.1); c.122+884T>C (NM_001374359.1, NM_001374360.1); c.6-2055T>C (NM_001374361.1); c.235-2059T>C (NM_001374358.1); c.689+884T>C (NM_001308166.2).
Identifiers: ClinVar variation 3051235 (VCV003051235.2), dbSNP rs553012731, ClinGen allele CA86498440.

ClinVar aggregate classification (germline): Likely benign (0 of 4 stars; one submission).

Conditions:
GFM1-related disorder. Also called: GFM1-related condition.

Allele frequency attached by ClinVar (database versions not stated): gnomAD exomes 0.00002; gnomAD 0.00019; TOPMed 0.00020; 1000 Genomes Project 0.00040; 1000 Genomes Project 30x 0.00047.
gnomAD v4.1: 51 of 1,536,014 alleles (0.0033%); highest among the groups gnomAD compares: African/African-American, 0.063%; no homozygotes.

Submission:

PreventionGenetics, part of Exact Sciences
Classification: Likely benign for GFM1-related condition. Last evaluated: 2020-01-15. Review status: no assertion criteria provided. Collection method: clinical testing. Allele origin: germline.
Comment: This variant is classified as likely benign based on ACMG/AMP sequence variant interpretation guidelines (Richards et al. 2015 PMID: 25741868, with internal and published modifications).